The following continues an entry in ClinVar:

NM_001048174.2(MUTYH):c.32G>A (p.Gly11Asp)

Gene: MUTYH. ClinVar aggregate classification (germline): Conflicting classifications of pathogenicity. Uncertain significance (3); Benign (10); Likely benign (5).

Submissions 22 to 25 of 25:

Department of Pathology and Laboratory Medicine, Sinai Health System
Classification: Uncertain significance for Carcinoma of colon. Review status: no assertion criteria provided. Collection method: clinical testing. Allele origin: unknown. Affected: yes. Observed: 2 variant alleles. Study: The Canadian Open Genetics Repository (COGR). Not counted in ClinVar's aggregate classification.
Comment: The p.Gly25Asp variant was identified in the literature in 18 of 896 proband chromosomes (frequency: 0.020) from Asian individuals (Korean, Chinese, Japanese) with adenomatous polyposis or colorectal cancer, and was present in 6 of 944 control chromosomes (frequency: 0.006) (Chen 2008, Kim 2007, Yanaru-Fujisawa 2008, Zhang 2006). In all these studies, the variant was identified in co-occurrence on the same allele as another MUTYH variant, p.Pro18Leu. Two studies suggest that this haplotype variant allele (containing both p.Pro18Leu and p.Gly25Asp variants) increases the risk of gastric cancer, with significantly higher frequencies of the variant haplotype observed in affected cases than in healthy controls (Chen 2008, Zhang 2006). In addition, a functional study by Chen (2008) found that the haplotype variant allele had a partial effect on protein mitochondrial transport as compared to wild type MUTYH protein. This effect, however, was not found when each variant was tested individually, suggesting an additive effect of the combined variants on the mitochondrial targeting sequences domain of the MUTYH protein. The variant was also identified in dbSNP (ID: rs75321043) â€šÃ„ÃºWith allele of Uncertain significanceâ€šÃ„Ã¹ with a minor allele frequency of 0.003 (1000 Genomes Project), in HGMD, and in the â€šÃ„ÃºInSiGHT Colon Cancer Databaseâ€šÃ„Ã¹. The p.Gly25 residue is not conserved in mammals and four out of five computational analyses (PolyPhen-2, SIFT, AlignGVGD, BLOSUM, MutationTaster) do not suggest a high likelihood of impact to the protein. However, this information is not predictive enough to rule out pathogenicity. In summary, based on the above information, the clinical significance of this variant cannot be determined with certainty at this time. Therefore, this variant is classified as a variant of unknown significance (VUS).

Dr. Peter K. Rogan Lab, Western University
No classification provided (evidence only). Condition: Hepatocellular carcinoma. Review status: no classification provided. Collection method: in vitro. Allele origin: not applicable. Functional consequence: retained intron. Not counted in ClinVar's aggregate classification.

Dr. Peter K. Rogan Lab, Western University
No classification provided (evidence only). Condition: Hepatocellular carcinoma. Review status: no classification provided. Collection method: in vitro. Allele origin: not applicable. Functional consequence: retained intron. Not counted in ClinVar's aggregate classification.

Dr. Peter K. Rogan Lab, Western University
No classification provided (evidence only). Condition: Malignant tumor of esophagus. Review status: no classification provided. Collection method: in vitro. Allele origin: not applicable. Functional consequence: retained intron. Not counted in ClinVar's aggregate classification.

Literature cited by the submitters: PubMed 29879026 (cited by Quest Diagnostics Nichols Institute San Juan Capistrano); PubMed 30333958 (cited by Quest Diagnostics Nichols Institute San Juan Capistrano); PubMed 29667044 (cited by Quest Diagnostics Nichols Institute San Juan Capistrano); PubMed 33194656 (cited by Quest Diagnostics Nichols Institute San Juan Capistrano); PubMed 33094510 (cited by Quest Diagnostics Nichols Institute San Juan Capistrano); PubMed 33309985 (cited by Quest Diagnostics Nichols Institute San Juan Capistrano); PubMed 36243179 (cited by Quest Diagnostics Nichols Institute San Juan Capistrano); PubMed 35534218 (cited by Quest Diagnostics Nichols Institute San Juan Capistrano); PubMed 34326862 (cited by Quest Diagnostics Nichols Institute San Juan Capistrano); PubMed 18422726 (cited by 5 submitters); PubMed 24728327 (cited by 4 submitters); PubMed 25820570 (cited by 4 submitters); PubMed 22641385 (cited by Quest Diagnostics Nichols Institute San Juan Capistrano and Counsyl); PubMed 26332594 (cited by 4 submitters); PubMed 16929514 (cited by Quest Diagnostics Nichols Institute San Juan Capistrano and Counsyl); PubMed 18811933 (cited by 5 submitters); PubMed 17252231 (cited by Quest Diagnostics Nichols Institute San Juan Capistrano and Counsyl); PubMed 11295288 (cited by Quest Diagnostics Nichols Institute San Juan Capistrano); PubMed 26684191 (cited by 3 submitters); PubMed 25980754 (cited by Quest Diagnostics Nichols Institute San Juan Capistrano and Counsyl); PubMed 17703316 (cited by 3 submitters); PubMed 27443514 (cited by 3 submitters); PubMed 26900293 (cited by Quest Diagnostics Nichols Institute San Juan Capistrano); PubMed 25186627 (cited by Counsyl).